The following is an entry in ClinVar:

NM_001005361.3(DNM2):c.235+9G>T

Gene: DNM2 (dynamin 2; plus strand). Cytogenetic location: 19p13.2.
Variant type: single nucleotide variant.
Coding change: c.235+9G>T on transcript NM_001005361.3 (MANE Select); 9 bases into the intron after coding-DNA position 235, G replaced by T.
Molecular consequence: intron variant.
Genome position (GRCh38, 1-based): chr19:10,759,820, G>T. VCF-style: chr19-10759820-G-T. GRCh37 (hg19) VCF-style: chr19-10870496-G-T.
Other names: c.235+9G>T (NM_001005360.3, NM_001190716.2, NM_004945.4 and 2 more transcripts).
Identifiers: ClinVar variation 1159405 (VCV001159405.10), dbSNP rs369596325, ClinGen allele CA9200734.

ClinVar aggregate classification (germline): Likely benign. Review status: criteria provided, multiple submitters, no conflicts (2 of 4 stars). 2 submissions from 2 submitters: Likely benign (2). Last evaluated 2026-06-01.

Conditions:
DNM2-related disorder. Also called: DNM2-related condition.
Charcot-Marie-Tooth disease dominant intermediate B (CMTDIB). Also called: Charcot-Marie-Tooth disease dominant intermediate 1; CMT DI1; Charcot-Marie-Tooth disease dominant intermediate I; CHARCOT-MARIE-TOOTH NEUROPATHY, DOMINANT INTERMEDIATE B. Identifiers: Orphanet 100044, Orphanet 228179, MedGen C1847902, MONDO:0011674, OMIM 606482.

Allele frequency attached by ClinVar (database versions not stated): gnomAD 0.00003; ESP Exome Variant Server 0.00008; ExAC 0.00001; gnomAD exomes 0.00001; TOPMed 0.00002.
gnomAD v4.1: 14 of 1,614,012 alleles (0.00087%); highest among the groups gnomAD compares: African/African-American, 0.004%; no homozygotes.

Submissions (2):

PreventionGenetics, part of Exact Sciences
Classification: Likely benign for DNM2-related condition. Last evaluated: 2026-06-01. Review status: criteria provided, single submitter. Criteria: ACMG Guidelines, 2015. Collection method: clinical testing. Allele origin: germline.
Comment: This variant is classified as likely benign based on ACMG/AMP sequence variant interpretation guidelines (Richards et al. 2015 PMID: 25741868, with internal and published modifications).

Labcorp Genetics (formerly Invitae), Labcorp
Classification: Likely benign for Charcot-Marie-Tooth disease dominant intermediate B. Last evaluated: 2025-12-09. Review status: criteria provided, single submitter. Criteria: Invitae Variant Classification Sherloc (09022015). Collection method: clinical testing. Allele origin: germline.